The following is an entry in ClinVar:

ClinVar aggregate classification (germline): Pathogenic/Likely pathogenic. Review status: criteria provided, multiple submitters, no conflicts (2 of 4 stars). 2 submissions from 2 submitters: Pathogenic (1); Likely pathogenic (1). Last evaluated 2025-02-16.

Conditions:
Retinitis pigmentosa 1 (RP1). Identifiers: Orphanet 791, MedGen C0220701, MONDO:0008377, OMIM 180100.

Allele frequency attached by ClinVar (database versions not stated): gnomAD 0.00001.
gnomAD v4.1: 41 of 1,613,988 alleles (0.0025%); highest among the groups gnomAD compares: Non-Finnish European, 0.0035%; no homozygotes.

Submissions (2):

Labcorp Genetics (formerly Invitae), Labcorp
Classification: Pathogenic. Last evaluated: 2025-02-16. Review status: criteria provided, single submitter. Criteria: Invitae Variant Classification Sherloc (09022015). Collection method: clinical testing. Allele origin: germline.
Comment: This sequence change creates a premature translational stop signal (p.Glu1750*) in the RP1 gene. While this is not anticipated to result in nonsense mediated decay, it is expected to disrupt the last 407 amino acid(s) of the RP1 protein. This variant is not present in population databases (gnomAD no frequency). This variant has not been reported in the literature in individuals affected with RP1-related conditions. ClinVar contains an entry for this variant (Variation ID: 1325010). This variant disrupts the C-terminus of the RP1 protein. Many variants that disrupt this region have been reported in individuals with either autosomal dominant or autosomal recessive retinitis pigmentosa (PMID: 11527933, 19933189, 29425069, 30027431, 33681214). Therefore, variants that disrupt this region are expected to be disease-causing. For these reasons, this variant has been classified as Pathogenic.

Revvity Omics, Revvity
Classification: Likely pathogenic for Retinitis pigmentosa 1. Last evaluated: 2020-05-07. Review status: criteria provided, single submitter. Criteria: ACMG Guidelines, 2015. Collection method: clinical testing. Allele origin: germline.

Literature cited by the submitters: PubMed 11527933 (cited by Labcorp Genetics (formerly Invitae), Labcorp); PubMed 19933189 (cited by Labcorp Genetics (formerly Invitae), Labcorp); PubMed 29425069 (cited by Labcorp Genetics (formerly Invitae), Labcorp); PubMed 30027431 (cited by Labcorp Genetics (formerly Invitae), Labcorp); PubMed 33681214 (cited by Labcorp Genetics (formerly Invitae), Labcorp).

NM_006269.2(RP1):c.5248G>T (p.Glu1750Ter)

Genes: RP1 (RP1 axonemal microtubule associated; plus strand), LOC126860392 (CDK7 strongly-dependent group 2 enhancer GRCh37_chr8:55541319-55542518; plus strand). Cytogenetic location: 8q12.1.
Variant type: single nucleotide variant.
Coding change: c.5248G>T on transcript NM_006269.2 (MANE Select); coding-DNA position 5248, G replaced by T.
Protein change: p.Glu1750Ter; replaces glutamic acid 1750 with a stop codon.
Molecular consequence: nonsense. On other transcripts: intron variant (1).
Genome position (GRCh38, 1-based): chr8:54,629,130, G>T. VCF-style: chr8-54629130-G-T. GRCh37 (hg19) VCF-style: chr8-55541690-G-T.
Other names: c.787+6842G>T (NM_001375654.1); short protein forms E1750*.
Identifiers: ClinVar variation 1325010 (VCV001325010.5), dbSNP rs1444271998, ClinGen allele CA370985276.